The following is an entry in ClinVar:

ClinVar aggregate classification (germline): Uncertain significance (1 of 4 stars; one submission).

Submission:

CeGaT Center for Human Genetics Tuebingen
Classification: Uncertain significance. Last evaluated: 2022-12-01. Review status: criteria provided, single submitter. Criteria: CeGaT Center For Human Genetics Tuebingen Variant Classification Criteria Version 2. Collection method: clinical testing. Allele origin: germline. Affected: yes. Observed: 1 variant allele.
Comment: MBTPS2: PM2

NM_015884.4(MBTPS2):c.67G>C (p.Val23Leu)

Genes: MBTPS2 (membrane bound transcription factor peptidase, site 2; plus strand), LOC130068039 (ATAC-STARR-seq lymphoblastoid active region 29486; plus strand). Cytogenetic location: Xp22.12.
Variant type: single nucleotide variant.
Coding change: c.67G>C on transcript NM_015884.4 (MANE Select); coding-DNA position 67, G replaced by C.
Protein change: p.Val23Leu; replaces valine 23 with leucine.
Molecular consequence: missense variant.
Genome position (GRCh38, 1-based): chrX:21,839,801, G>C. VCF-style: chrX-21839801-G-C. GRCh37 (hg19) VCF-style: chrX-21857919-G-C.
Other names: short protein forms V23L.
Identifiers: ClinVar variation 2660151 (VCV002660151.24), dbSNP rs1287649948, ClinGen allele CA412561311.